The following is an entry in ClinVar:

NM_016169.4(SUFU):c.55G>A (p.Gly19Ser)

Genes: SUFU (SUFU negative regulator of hedgehog signaling; plus strand), LOC130004614 (ATAC-STARR-seq lymphoblastoid silent region 2764; plus strand). Cytogenetic location: 10q24.32.
Variant type: single nucleotide variant.
Coding change: c.55G>A on transcript NM_016169.4 (MANE Select); coding-DNA position 55, G replaced by A.
Protein change: p.Gly19Ser; replaces glycine 19 with serine.
Molecular consequence: missense variant.
Genome position (GRCh38, 1-based): chr10:102,504,207, G>A. VCF-style: chr10-102504207-G-A. GRCh37 (hg19) VCF-style: chr10-104263964-G-A.
Other names: c.55G>A, p.Gly19Ser (NM_001178133.2); short protein forms G19S.
Identifiers: ClinVar variation 524665 (VCV000524665.10), dbSNP rs1207697890, ClinGen allele CA377886277.

ClinVar aggregate classification (germline): Uncertain significance. Review status: criteria provided, multiple submitters, no conflicts (2 of 4 stars). 3 submissions from 3 submitters: Uncertain significance (3). Last evaluated 2024-12-30.

Conditions:
Gorlin syndrome. Also called: Basal cell nevus syndrome; Nevoid Basal Cell Carcinoma Syndrome. Identifiers: Orphanet 377, MedGen C0004779, MONDO:0007187.
Medulloblastoma (MDB). Also called: Medulloblastoma, somatic; MEDULLOBLASTOMA PREDISPOSITION SYNDROME. Identifiers: Orphanet 616, MedGen C0025149, MeSH D008527, MONDO:0007959, OMIM 155255, HP:0002885.
Hereditary cancer-predisposing syndrome. Also called: Neoplastic Syndromes, Hereditary; Tumor predisposition; Hereditary neoplastic syndrome; Hereditary Cancer Syndrome. Identifiers: Orphanet 140162, MedGen C0027672, MeSH D009386, MONDO:0015356.

Allele frequency attached by ClinVar (database versions not stated): TOPMed below 0.00001; gnomAD 0.00001.

Submissions (3):

Quest Diagnostics Nichols Institute San Juan Capistrano
Classification: Uncertain significance. Last evaluated: 2024-12-30. Review status: criteria provided, single submitter. Criteria: Quest Diagnostics criteria. Collection method: clinical testing. Allele origin: unknown.
Comment: The SUFU c.55G>A (p.Gly19Ser) variant has not been reported in individuals with SUFU-related conditions in the published literature. The frequency of this variant in the general population (Genome Aggregation Database) is uninformative in the assessment of its pathogenicity. Analysis of this variant using bioinformatics tools for the prediction of the effect of amino acid changes on protein structure and function yielded predictions that this variant is benign. Based on the available information, we are unable to determine the clinical significance of this variant.

Ambry Genetics
Classification: Uncertain significance for Hereditary cancer-predisposing syndrome. Last evaluated: 2023-01-27. Review status: criteria provided, single submitter. Criteria: Ambry Variant Classification Scheme 2023. Collection method: clinical testing. Allele origin: germline.
Comment: The p.G19S variant (also known as c.55G>A), located in coding exon 1 of the SUFU gene, results from a G to A substitution at nucleotide position 55. The glycine at codon 19 is replaced by serine, an amino acid with similar properties. This amino acid position is well conserved in available vertebrate species. In addition, the in silico prediction for this alteration is inconclusive. Since supporting evidence is limited at this time, the clinical significance of this alteration remains unclear.

Labcorp Genetics (formerly Invitae), Labcorp
Classification: Uncertain significance for Gorlin syndrome; Medulloblastoma. Last evaluated: 2023-01-26. Review status: criteria provided, single submitter. Criteria: Invitae Variant Classification Sherloc (09022015). Collection method: clinical testing. Allele origin: germline.
Comment: In summary, the available evidence is currently insufficient to determine the role of this variant in disease. Therefore, it has been classified as a Variant of Uncertain Significance. Algorithms developed to predict the effect of missense changes on protein structure and function are either unavailable or do not agree on the potential impact of this missense change (SIFT: "Tolerated"; PolyPhen-2: "Possibly Damaging"; Align-GVGD: "Class C0"). ClinVar contains an entry for this variant (Variation ID: 524665). This variant has not been reported in the literature in individuals affected with SUFU-related conditions. This variant is not present in population databases (gnomAD no frequency). This sequence change replaces glycine, which is neutral and non-polar, with serine, which is neutral and polar, at codon 19 of the SUFU protein (p.Gly19Ser).